The following is an entry in ClinVar:

ClinVar aggregate classification (germline): Uncertain significance. Review status: criteria provided, multiple submitters, no conflicts (2 of 4 stars). 2 submissions from 2 submitters: Uncertain significance (2). Last evaluated 2023-12-22.

Allele frequency attached by ClinVar (database versions not stated): gnomAD exomes 0.00003; ExAC 0.00004; ESP Exome Variant Server 0.00015; 1000 Genomes Project 0.00020; gnomAD 0.00023; TOPMed 0.00027; 1000 Genomes Project 30x 0.00031.
gnomAD v4.1: 75 of 1,569,616 alleles (0.0048%); highest among the groups gnomAD compares: African/African-American, 0.073%; no homozygotes.

Submissions (2):

Ambry Genetics
Classification: Uncertain significance. Last evaluated: 2023-12-22. Review status: criteria provided, single submitter. Criteria: Ambry Variant Classification Scheme 2023. Collection method: clinical testing. Allele origin: germline.

Labcorp Genetics (formerly Invitae), Labcorp
Classification: Uncertain significance. Last evaluated: 2022-06-20. Review status: criteria provided, single submitter. Criteria: Invitae Variant Classification Sherloc (09022015). Collection method: clinical testing. Allele origin: germline.
Comment: This sequence change replaces arginine, which is basic and polar, with cysteine, which is neutral and slightly polar, at codon 131 of the KIAA0556 protein (p.Arg131Cys). The frequency data for this variant in the population databases is considered unreliable, as metrics indicate poor data quality at this position in the gnomAD database. This variant has not been reported in the literature in individuals affected with KIAA0556-related conditions. Algorithms developed to predict the effect of missense changes on protein structure and function are either unavailable or do not agree on the potential impact of this missense change (SIFT: "Deleterious"; PolyPhen-2: "Probably Damaging"; Align-GVGD: "Class C0"). In summary, the available evidence is currently insufficient to determine the role of this variant in disease. Therefore, it has been classified as a Variant of Uncertain Significance.

NM_015202.5(KATNIP):c.391C>T (p.Arg131Cys)

Gene: KATNIP (katanin interacting protein; plus strand). Cytogenetic location: 16p12.1.
Variant type: single nucleotide variant.
Coding change: c.391C>T on transcript NM_015202.5 (MANE Select); coding-DNA position 391, C replaced by T.
Protein change: p.Arg131Cys; replaces arginine 131 with cysteine.
Molecular consequence: missense variant.
Genome position (GRCh38, 1-based): chr16:27,631,145, C>T. VCF-style: chr16-27631145-C-T. GRCh37 (hg19) VCF-style: chr16-27642466-C-T.
Other names: c.391C>T (NM_015202.2); short protein forms R131C.
Identifiers: ClinVar variation 2422078 (VCV002422078.3), dbSNP rs372168923, ClinGen allele CA7977300.